The following is an entry in ClinVar:

NM_004448.4(ERBB2):c.1231T>G (p.Tyr411Asp)

Gene: ERBB2 (erb-b2 receptor tyrosine kinase 2; plus strand). Cytogenetic location: 17q12.
Variant type: single nucleotide variant.
Coding change: c.1231T>G on transcript NM_004448.4 (MANE Select); coding-DNA position 1231, T replaced by G.
Protein change: p.Tyr411Asp; replaces tyrosine 411 with aspartic acid.
Molecular consequence: missense variant. On other transcripts: non-coding transcript variant (1), intron variant (1).
Genome position (GRCh38, 1-based): chr17:39,715,454, T>G. VCF-style: chr17-39715454-T-G. GRCh37 (hg19) VCF-style: chr17-37871707-T-G.
Other names: c.1186T>G, p.Tyr396Asp (NM_001289936.2); c.1231T>G, p.Tyr411Asp (NM_001289937.2, NM_001382785.1, NM_001382798.1 and 13 more transcripts); c.1141T>G, p.Tyr381Asp (NM_001289938.2, NM_001382782.1, NM_001382783.1 and 1 more transcripts); c.1348T>G, p.Tyr450Asp (NM_001382784.1, NM_001382786.1); c.1306T>G, p.Tyr436Asp (NM_001382787.1); c.1051T>G, p.Tyr351Asp (NM_001382799.1); c.973T>G, p.Tyr325Asp (NM_001382802.1); c.403T>G, p.Tyr135Asp (NM_001382804.1); and 2 more; short protein forms Y381D, Y411D, Y396D, Y135D, Y325D, Y351D, Y408D, Y436D.
Identifiers: ClinVar variation 134070 (VCV000134070.4), dbSNP rs587778265, ClinGen allele CA158565.
Genomic context (GRCh38, chr17:39,715,454, plus strand): 5'-CTGGGAGTCCTTGTCCTGTCCCCACTCCTTTAATCTCACCCTCTGCCTGCAGGTTACCTA[T>G]ACATCTCAGCATGGCCGGACAGCCTGCCTGACCTCAGCGTCTTCCAGAACCTGCAAGTAA-3'
Protein context (NP_004439.2, residues 401-421): ETLEEITGYL[Tyr411Asp]ISAWPDSLPD

ClinVar aggregate classification (germline): Uncertain significance. Review status: criteria provided, single submitter (1 of 4 stars). 2 submissions from 2 submitters: Uncertain significance (1). 1 of the submissions does not count toward it. Last evaluated 2025-11-25.

Allele frequency attached by ClinVar (database versions not stated): gnomAD exomes below 0.00001; ExAC 0.00001.
gnomAD v4.1: 4 of 1,614,156 alleles (0.00025%); highest among the groups gnomAD compares: East Asian, 0.0045%; no homozygotes.

Submissions (2):

Labcorp Genetics (formerly Invitae), Labcorp
Classification: Uncertain significance. Last evaluated: 2025-11-25. Review status: criteria provided, single submitter. Criteria: Invitae Variant Classification Sherloc (09022015). Collection method: clinical testing. Allele origin: germline.
Comment: This sequence change replaces tyrosine, which is neutral and polar, with aspartic acid, which is acidic and polar, at codon 411 of the ERBB2 protein (p.Tyr411Asp). This variant is present in population databases (rs587778265, gnomAD 0.006%). This variant has not been reported in the literature in individuals affected with ERBB2-related conditions. ClinVar contains an entry for this variant (Variation ID: 134070). Invitae Evidence Modeling of protein sequence and biophysical properties (such as structural, functional, and spatial information, amino acid conservation, physicochemical variation, residue mobility, and thermodynamic stability) indicates that this missense variant is not expected to disrupt ERBB2 protein function with a negative predictive value of 80%. In summary, the available evidence is currently insufficient to determine the role of this variant in disease. Therefore, it has been classified as a Variant of Uncertain Significance.

ITMI
No classification provided. Condition: AllHighlyPenetrant. Last evaluated: 2013-09-19. Review status: no classification provided. Collection method: reference population. Allele origin: germline. Not counted in ClinVar's aggregate classification.
Comment: Please see associated publication for description of ethnicities

Literature cited by the submitters: PubMed 24728327 (cited by ITMI).